The following is an entry in ClinVar:

NM_000088.4(COL1A1):c.1393G>T (p.Glu465Ter)

Gene: COL1A1 (collagen type I alpha 1 chain; minus strand). Cytogenetic location: 17q21.33.
Variant type: single nucleotide variant.
Coding change: c.1393G>T on transcript NM_000088.4 (MANE Select); coding-DNA position 1393, G replaced by T.
Protein change: p.Glu465Ter; replaces glutamic acid 465 with a stop codon.
Molecular consequence: nonsense.
Genome position (GRCh38, 1-based): chr17:50,194,789, C>A on the plus strand (G>T on the coding strand, the complement: COL1A1 is on the minus strand). VCF-style: chr17-50194789-C-A. GRCh37 (hg19) VCF-style: chr17-48272150-C-A.
Other names: short protein forms E465*.
Identifiers: ClinVar variation 456733 (VCV000456733.7), dbSNP rs865999256, ClinGen allele CA291546319.

ClinVar aggregate classification (germline): Pathogenic (1 of 4 stars; one submission).

Conditions:
Osteogenesis imperfecta type I (OI1). Also called: OI, TYPE I; OSTEOGENESIS IMPERFECTA TARDA; OSTEOGENESIS IMPERFECTA WITH BLUE SCLERAE; Osteogenesis imperfecta type 1; Lobstein's Disease; Lobstein disease. Identifiers: Orphanet 216796, Orphanet 666, MedGen C0023931, MONDO:0008146, OMIM 166200. Disease mechanism: loss of function.

Submission:

Labcorp Genetics (formerly Invitae), Labcorp
Classification: Pathogenic for Osteogenesis imperfecta type I. Last evaluated: 2023-04-26. Review status: criteria provided, single submitter. Criteria: Invitae Variant Classification Sherloc (09022015). Collection method: clinical testing. Allele origin: germline.
Comment: For these reasons, this variant has been classified as Pathogenic. ClinVar contains an entry for this variant (Variation ID: 456733). This variant has not been reported in the literature in individuals affected with COL1A1-related conditions. This variant is not present in population databases (gnomAD no frequency). This sequence change creates a premature translational stop signal (p.Glu465*) in the COL1A1 gene. It is expected to result in an absent or disrupted protein product. Loss-of-function variants in COL1A1 are known to be pathogenic (PMID: 7942841, 9295084, 9443882).

Literature cited by the submitters: PubMed 7942841; PubMed 9295084; PubMed 9443882.